The following is an entry in ClinVar:

NM_019066.5(MAGEL2):c.2886_2897delinsGATGCGCTGGGAGG (p.Ser962fs)

Gene: MAGEL2 (MAGE family member L2; minus strand). Cytogenetic location: 15q11.2.
Variant type: Indel.
Coding change: c.2886_2897delinsGATGCGCTGGGAGG on transcript NM_019066.5 (MANE Select); coding-DNA positions 2886 to 2897, CGCATCCTGGGC replaced by GATGCGCTGGGAGG.
Protein change: p.Ser962fs; shifts the reading frame from serine 962.
Molecular consequence: frameshift variant.
Genome position (GRCh38, 1-based): chr15:23,644,846-23,644,857, GCCCAGGATGCG replaced by CCTCCCAGCGCATC on the plus strand (CGCATCCTGGGC replaced by GATGCGCTGGGAGG on the coding strand, the reverse complement: MAGEL2 is on the minus strand). VCF-style: chr15-23644846-GCCCAGGATGCG-CCTCCCAGCGCATC. GRCh37 (hg19) VCF-style: chr15-23889993-GCCCAGGATGCG-CCTCCCAGCGCATC.
Other names: short protein forms S962fs.
Identifiers: ClinVar variation 4056595 (VCV004056595.1).
Genomic context (GRCh38, chr15:23,644,846, plus strand): 5'-CCTGGGCTTTCAGAGAGACCCAGGGCCCTGGAGGTGCTCGGGCCCTCCCAGGCACTCAGG[GCCCAGGATGCG>CCTCCCAGCGCATC]CTGGGCCCTTCCCAGCCACTCAGGATCCTGGAGGTGCTAGGGCCCTCCCAACCACTCAGG-3'

ClinVar aggregate classification (germline): Likely pathogenic (1 of 4 stars; one submission).

Conditions:
Schaaf-Yang syndrome (SHFYNG). Also called: Arthrogryposis, distal, with hypopituitarism, intellectual disability, and facial anomalies; MAGEL2-related Prader-Willi-like syndrome. Identifiers: Orphanet 398069, MedGen C5575066, MONDO:0014243, OMIM 615547.

Submission:

Laboratorio de Genetica e Diagnostico Molecular, Hospital Israelita Albert Einstein
Classification: Likely pathogenic for Schaaf-Yang syndrome. Last evaluated: 2023-10-30. Review status: criteria provided, single submitter. Criteria: ACMG Guidelines, 2015. Collection method: clinical testing. Allele origin: germline. Affected: yes.
Comment: ACMG classification criteria: PVS1 very strong, PM2 moderate